The following is an entry in ClinVar:

NC_000015.10:g.25278417C>T

Gene: SNHG14 (small nucleolar RNA host gene 14; plus strand). Cytogenetic location: 15q11.2.
Variant type: single nucleotide variant.
Genome position: GRCh38 VCF-style: chr15-25278417-C-T. GRCh37 (hg19) VCF-style: chr15-25523564-C-T.
Identifiers: ClinVar variation 2498602 (VCV002498602.28), dbSNP rs142202250, ClinGen allele CA7435312.
Genomic context (GRCh38, chr15:25,278,417, plus strand): 5'-AATAATTGTCTGAGGATGCTGAGGGACTCATTCCAGATGTCAATCTGAGGTCCAGATGTG[C>T]GGCCCTCCAATAGGACAAATAAGACTCTCAGAGCCTGGCTCTATTTGGGGATCCCTCAGT-3'

ClinVar aggregate classification (germline): Likely benign (1 of 4 stars; one submission).

Allele frequency attached by ClinVar (database versions not stated): gnomAD exomes 0.00301; ExAC 0.00330; gnomAD 0.00532; TOPMed 0.00602; 1000 Genomes Project 0.00679; 1000 Genomes Project 30x 0.00812.

Submission:

CeGaT Center for Human Genetics Tuebingen
Classification: Likely benign. Last evaluated: 2024-10-01. Review status: criteria provided, single submitter. Criteria: CeGaT Center For Human Genetics Tuebingen Variant Classification Criteria Version 2. Collection method: clinical testing. Allele origin: germline. Affected: yes. Observed: 10 variant alleles.
Comment: SNHG14: BS2